The following is an entry in ClinVar:

ClinVar aggregate classification (germline): Benign/Likely benign. Review status: criteria provided, multiple submitters, no conflicts (2 of 4 stars). 3 submissions from 3 submitters: Benign (1); Likely benign (1). 1 of the submissions does not count toward it. Last evaluated 2024-11-26.

Conditions:
TBL1X-related disorder. Also called: TBL1X-related condition.

Allele frequency attached by ClinVar (database versions not stated): gnomAD exomes 0.00145; ExAC 0.00424; gnomAD 0.00463; TOPMed 0.00528; ESP Exome Variant Server 0.00625; 1000 Genomes Project 0.00768; 1000 Genomes Project 30x 0.00791.
gnomAD v4.1: 1,219 of 1,168,648 alleles (0.1%); highest among the groups gnomAD compares: African/African-American, 1.8%; 8 homozygotes.

Submissions (3):

Blueprint Genetics
Classification: Likely benign. Last evaluated: 2024-11-26. Review status: criteria provided, single submitter. Criteria: ACMG Guidelines, 2015. Collection method: clinical testing. Allele origin: germline.

Labcorp Genetics (formerly Invitae), Labcorp
Classification: Benign. Last evaluated: 2018-11-13. Review status: criteria provided, single submitter. Criteria: Invitae Variant Classification Sherloc (09022015). Collection method: clinical testing. Allele origin: germline.

PreventionGenetics, part of Exact Sciences
Classification: Benign for TBL1X-related condition. Last evaluated: 2019-07-30. Review status: no assertion criteria provided. Collection method: clinical testing. Allele origin: germline. Not counted in ClinVar's aggregate classification.
Comment: This variant is classified as benign based on ACMG/AMP sequence variant interpretation guidelines (Richards et al. 2015 PMID: 25741868, with internal and published modifications).

NM_005647.4(TBL1X):c.13G>T (p.Ala5Ser)

Gene: TBL1X (transducin beta like 1 X-linked; plus strand). Cytogenetic location: Xp22.2.
Variant type: single nucleotide variant.
Coding change: c.13G>T on transcript NM_005647.4 (MANE Select); coding-DNA position 13, G replaced by T.
Protein change: p.Ala5Ser; replaces alanine 5 with serine.
Molecular consequence: missense variant. On other transcripts: intron variant (2).
Genome position (GRCh38, 1-based): chrX:9,653,599, G>T. VCF-style: chrX-9653599-G-T. GRCh37 (hg19) VCF-style: chrX-9621639-G-T.
Other names: c.13G>T, p.Ala5Ser (NM_001139466.1); c.-50-616G>T (NM_001139468.1, NM_001139467.1); short protein forms A5S.
Identifiers: ClinVar variation 720639 (VCV000720639.6), dbSNP rs138597617, ClinGen allele CA10344395.